The following is an entry in ClinVar:

ClinVar aggregate classification (germline): Pathogenic/Likely pathogenic. Review status: criteria provided, multiple submitters, no conflicts (2 of 4 stars). 3 submissions from 3 submitters: Pathogenic (1); Likely pathogenic (2). Last evaluated 2026-01-12.

Conditions:
Stüve-Wiedemann syndrome 1. Also called: STUVE-WIEDEMANN/SCHWARTZ-JAMPEL TYPE 2 SYNDROME. Identifiers: Orphanet 3206, MedGen C5676888, MONDO:0800043, OMIM 601559.
Stuve-Wiedemann syndrome (STWS). Also called: Stüve-Wiedemann syndrome. Identifiers: Orphanet 3206, MedGen C0796176, MONDO:0031280.

Allele frequency attached by ClinVar (database versions not stated): gnomAD exomes below 0.00001; gnomAD 0.00001; TOPMed 0.00001.

Submissions (3):

Natera, Inc.
Classification: Likely pathogenic for Stuve-Wiedemann syndrome. Last evaluated: 2026-01-12. Review status: criteria provided, single submitter. Criteria: Natera Variant Classification Schema (03/2026). Collection method: clinical testing. Allele origin: germline.
Comment: The c.478_479delAG variant in LIFR is a frameshift variant predicted to shift the reading frame beginning at codon 160 and leads to a stop codon 15 codons downstream. This variant is expected to result in nonsense mediated decay, truncation, or a dysfunctional protein product. This variant is rare in the general population with a frequency below the threshold expected for the associated phenotype(s). Given the available evidence, this variant is classified as Likely Pathogenic.

Labcorp Genetics (formerly Invitae), Labcorp
Classification: Pathogenic. Last evaluated: 2023-08-17. Review status: criteria provided, single submitter. Criteria: Invitae Variant Classification Sherloc (09022015). Collection method: clinical testing. Allele origin: germline.
Comment: For these reasons, this variant has been classified as Pathogenic. ClinVar contains an entry for this variant (Variation ID: 656451). This variant has not been reported in the literature in individuals affected with LIFR-related conditions. This variant is not present in population databases (gnomAD no frequency). This sequence change creates a premature translational stop signal (p.Arg160Glyfs*15) in the LIFR gene. It is expected to result in an absent or disrupted protein product. Loss-of-function variants in LIFR are known to be pathogenic (PMID: 14740318).

Fulgent Genetics
Classification: Likely pathogenic for Stüve-Wiedemann syndrome 1. Last evaluated: 2022-02-10. Review status: criteria provided, single submitter. Criteria: ACMG Guidelines, 2015. Collection method: clinical testing. Allele origin: unknown.

Literature cited by the submitters: PubMed 14740318 (cited by Labcorp Genetics (formerly Invitae), Labcorp).

NM_001127671.2(LIFR):c.478_479del (p.Arg160fs)

Gene: LIFR (LIF receptor subunit alpha; minus strand). Cytogenetic location: 5p13.1.
Variant type: Deletion.
Coding change: c.478_479del on transcript NM_001127671.2 (MANE Select); coding-DNA positions 478 to 479, 2 bases deleted (AG; older notation c.478_479delAG).
Protein change: p.Arg160fs; shifts the reading frame from arginine 160.
Molecular consequence: frameshift variant.
Genome position (GRCh38, 1-based): chr5:38,523,501-38,523,502, CT deleted on the plus strand (AG on the coding strand, the reverse complement: LIFR is on the minus strand). VCF-style (leftmost placement, unchanged base first): chr5-38523500-CCT-C. GRCh37 (hg19) VCF-style: chr5-38523602-CCT-C.
Other names: c.478_479del (NM_002310.5); c.478_479del, p.Arg160fs (NM_001364297.2, NM_001364298.2, NM_002310.6); short protein forms R160fs.
Identifiers: ClinVar variation 656451 (VCV000656451.12), dbSNP rs1242667371, ClinGen allele CA810424863.
Genomic context (GRCh38, chr5:38,523,500, plus strand): 5'-CTCTTTACGTAGAACTTTAATTTCCCAGATAACATTTGAGCGGTGTGGAAAAACTGAACC[CCT>C]GTCGTTCCACTTTAGGTATAATGTAGAGGTTGAGAAATCAGCAGACAAATTCAAGATCTC-3'